The following is an entry in ClinVar:

NM_018706.7(DHTKD1):c.209C>G (p.Ala70Gly)

Gene: DHTKD1 (dehydrogenase E1 and transketolase domain containing 1; plus strand). Cytogenetic location: 10p14.
Variant type: single nucleotide variant.
Coding change: c.209C>G on transcript NM_018706.7 (MANE Select); coding-DNA position 209, C replaced by G.
Protein change: p.Ala70Gly; replaces alanine 70 with glycine.
Molecular consequence: missense variant.
Genome position (GRCh38, 1-based): chr10:12,081,526, C>G. VCF-style: chr10-12081526-C-G. GRCh37 (hg19) VCF-style: chr10-12123525-C-G.
Other names: short protein forms A70G.
Identifiers: ClinVar variation 774680 (VCV000774680.69), dbSNP rs34644609, ClinGen allele CA5407471.

ClinVar aggregate classification (germline): Likely benign. Review status: criteria provided, multiple submitters, no conflicts (2 of 4 stars). 7 submissions from 7 submitters: Likely benign (4). 3 of the submissions do not count toward it. Last evaluated 2026-09-01.

Conditions:
2-aminoadipic 2-oxoadipic aciduria (AAKAD). Also called: ALPHA-AMINOADIPIC AND ALPHA-KETOADIPIC ACIDURIA; Aminoadipic aciduria. Identifiers: Orphanet 79154, MedGen C1859817, MONDO:0008774, OMIM 204750.

Allele frequency attached by ClinVar (database versions not stated): gnomAD 0.00309; 1000 Genomes Project 0.00319; 1000 Genomes Project 30x 0.00328; ExAC 0.00453; TOPMed 0.00521; ESP Exome Variant Server 0.00592.
gnomAD v4.1: 9,764 of 1,614,056 alleles (0.6%); highest among the groups gnomAD compares: Non-Finnish European, 0.72%; 39 homozygotes.

Submissions (29):

CeGaT Center for Human Genetics Tuebingen
Classification: Likely benign. Last evaluated: 2026-09-01. Review status: criteria provided, single submitter. Criteria: CeGaT Center For Human Genetics Tuebingen Variant Classification Criteria Version 2. Collection method: clinical testing. Allele origin: germline. Affected: yes. Observed: 22 variant alleles.
Comment: DHTKD1: BS2

Labcorp Genetics (formerly Invitae), Labcorp
Classification: Likely benign for 2-aminoadipic 2-oxoadipic aciduria. Last evaluated: 2026-02-01. Review status: criteria provided, single submitter. Criteria: Invitae Variant Classification Sherloc (09022015). Collection method: clinical testing. Allele origin: germline.

ARUP Laboratories, Molecular Genetics and Genomics, ARUP Laboratories
Classification: Likely benign. Last evaluated: 2025-07-18. Review status: criteria provided, single submitter. Criteria: ARUP Molecular Germline Variant Investigation Process 2024. Collection method: clinical testing. Allele origin: germline.

Mendelics
Classification: Likely benign for 2-aminoadipic 2-oxoadipic aciduria. Last evaluated: 2019-05-28. Review status: criteria provided, single submitter. Criteria: Mendelics Assertion Criteria 2017. Collection method: clinical testing. Allele origin: unknown.

Genetics and Genomic Medicine Centre, NeuroGen Healthcare, NeuroGen Healthcare
Classification: Uncertain significance. Last evaluated: 2020-12-05. Review status: no assertion criteria provided. Collection method: clinical testing. Allele origin: unknown. Affected: yes. Not counted in ClinVar's aggregate classification.

Clinical Genetics, Academic Medical Center
Classification: Benign. Review status: no assertion criteria provided. Collection method: clinical testing. Allele origin: germline. Affected: yes. Study: VKGL Data-share Consensus. Not counted in ClinVar's aggregate classification.

Dr. Peter K. Rogan Lab, Western University
No classification provided (evidence only). Condition: Clear cell carcinoma of kidney. Review status: no classification provided. Collection method: in vitro. Allele origin: not applicable. Functional consequence: retained intron. Not counted in ClinVar's aggregate classification.

Dr. Peter K. Rogan Lab, Western University
No classification provided (evidence only). Condition: Clear cell carcinoma of kidney. Review status: no classification provided. Collection method: in vitro. Allele origin: not applicable. Functional consequence: skipped exon. Not counted in ClinVar's aggregate classification.

Dr. Peter K. Rogan Lab, Western University
No classification provided (evidence only). Condition: Lung cancer. Review status: no classification provided. Collection method: in vitro. Allele origin: not applicable. Functional consequence: retained intron. Not counted in ClinVar's aggregate classification.

Dr. Peter K. Rogan Lab, Western University
No classification provided (evidence only). Condition: Lung cancer. Review status: no classification provided. Collection method: in vitro. Allele origin: not applicable. Functional consequence: retained intron. Not counted in ClinVar's aggregate classification.

Dr. Peter K. Rogan Lab, Western University
No classification provided (evidence only). Condition: Lung cancer. Review status: no classification provided. Collection method: in vitro. Allele origin: not applicable. Functional consequence: retained intron. Not counted in ClinVar's aggregate classification.

Dr. Peter K. Rogan Lab, Western University
No classification provided (evidence only). Condition: Melanoma. Review status: no classification provided. Collection method: in vitro. Allele origin: not applicable. Functional consequence: retained intron. Not counted in ClinVar's aggregate classification.

Dr. Peter K. Rogan Lab, Western University
No classification provided (evidence only). Condition: Melanoma. Review status: no classification provided. Collection method: in vitro. Allele origin: not applicable. Functional consequence: retained intron. Not counted in ClinVar's aggregate classification.

Dr. Peter K. Rogan Lab, Western University
No classification provided (evidence only). Condition: Familial cancer of breast. Review status: no classification provided. Collection method: in vitro. Allele origin: not applicable. Functional consequence: retained intron. Not counted in ClinVar's aggregate classification.

Dr. Peter K. Rogan Lab, Western University
No classification provided (evidence only). Condition: Familial cancer of breast. Review status: no classification provided. Collection method: in vitro. Allele origin: not applicable. Functional consequence: skipped exon. Not counted in ClinVar's aggregate classification.

Dr. Peter K. Rogan Lab, Western University
No classification provided (evidence only). Condition: Acute myeloid leukemia. Review status: no classification provided. Collection method: in vitro. Allele origin: not applicable. Functional consequence: retained intron. Not counted in ClinVar's aggregate classification.

Dr. Peter K. Rogan Lab, Western University
No classification provided (evidence only). Condition: Colon adenocarcinoma. Review status: no classification provided. Collection method: in vitro. Allele origin: not applicable. Functional consequence: retained intron. Not counted in ClinVar's aggregate classification.

Dr. Peter K. Rogan Lab, Western University
No classification provided (evidence only). Condition: Colon adenocarcinoma. Review status: no classification provided. Collection method: in vitro. Allele origin: not applicable. Functional consequence: skipped exon. Not counted in ClinVar's aggregate classification.

Dr. Peter K. Rogan Lab, Western University
No classification provided (evidence only). Condition: Thyroid cancer, nonmedullary, 1. Review status: no classification provided. Collection method: in vitro. Allele origin: not applicable. Functional consequence: retained intron. Not counted in ClinVar's aggregate classification.

Dr. Peter K. Rogan Lab, Western University
No classification provided (evidence only). Condition: Uterine corpus endometrial carcinoma. Review status: no classification provided. Collection method: in vitro. Allele origin: not applicable. Functional consequence: skipped exon. Not counted in ClinVar's aggregate classification.

Dr. Peter K. Rogan Lab, Western University
No classification provided (evidence only). Condition: Cervical cancer. Review status: no classification provided. Collection method: in vitro. Allele origin: not applicable. Functional consequence: retained intron. Not counted in ClinVar's aggregate classification.

Dr. Peter K. Rogan Lab, Western University
No classification provided (evidence only). Condition: Cervical cancer. Review status: no classification provided. Collection method: in vitro. Allele origin: not applicable. Functional consequence: retained intron. Not counted in ClinVar's aggregate classification.

Dr. Peter K. Rogan Lab, Western University
No classification provided (evidence only). Condition: Sarcoma. Review status: no classification provided. Collection method: in vitro. Allele origin: not applicable. Functional consequence: skipped exon. Not counted in ClinVar's aggregate classification.

Dr. Peter K. Rogan Lab, Western University
No classification provided (evidence only). Condition: Sarcoma. Review status: no classification provided. Collection method: in vitro. Allele origin: not applicable. Functional consequence: skipped exon. Not counted in ClinVar's aggregate classification.

Dr. Peter K. Rogan Lab, Western University
No classification provided (evidence only). Condition: Sarcoma. Review status: no classification provided. Collection method: in vitro. Allele origin: not applicable. Functional consequence: skipped exon. Not counted in ClinVar's aggregate classification.

Dr. Peter K. Rogan Lab, Western University
No classification provided (evidence only). Condition: Hepatocellular carcinoma. Review status: no classification provided. Collection method: in vitro. Allele origin: not applicable. Functional consequence: retained intron. Not counted in ClinVar's aggregate classification.

Dr. Peter K. Rogan Lab, Western University
No classification provided (evidence only). Condition: Thymoma. Review status: no classification provided. Collection method: in vitro. Allele origin: not applicable. Functional consequence: retained intron. Not counted in ClinVar's aggregate classification.

Dr. Peter K. Rogan Lab, Western University
No classification provided (evidence only). Condition: Ovarian serous cystadenocarcinoma. Review status: no classification provided. Collection method: in vitro. Allele origin: not applicable. Functional consequence: retained intron. Not counted in ClinVar's aggregate classification.

Laboratory of Diagnostic Genome Analysis, Leiden University Medical Center (LUMC)
Classification: Likely benign. Review status: no assertion criteria provided. Collection method: clinical testing. Allele origin: germline. Affected: yes. Study: VKGL Data-share Consensus. Not counted in ClinVar's aggregate classification.